The following is an entry in ClinVar:

NM_006031.6(PCNT):c.5486A>G (p.Glu1829Gly)

Gene: PCNT (pericentrin; plus strand). Cytogenetic location: 21q22.3.
Variant type: single nucleotide variant.
Coding change: c.5486A>G on transcript NM_006031.6 (MANE Select); coding-DNA position 5486, A replaced by G.
Protein change: p.Glu1829Gly; replaces glutamic acid 1829 with glycine.
Molecular consequence: missense variant.
Genome position (GRCh38, 1-based): chr21:46,411,559, A>G. VCF-style: chr21-46411559-A-G. GRCh37 (hg19) VCF-style: chr21-47831473-A-G.
Other names: c.5486A>G (NM_006031.5); c.5132A>G, p.Glu1711Gly (NM_001315529.2); short protein forms E1829G, E1711G.
Identifiers: ClinVar variation 4946768 (VCV004946768.2).

ClinVar aggregate classification (germline): Likely benign. Review status: criteria provided, multiple submitters, no conflicts (2 of 4 stars). 2 submissions from 2 submitters: Likely benign (2). Last evaluated 2026-01-13.

Conditions:
PCNT-related disorder. Also called: PCNT-related condition.

gnomAD v4.1: 118 of 1,612,440 alleles (0.0073%); highest among the groups gnomAD compares: South Asian, 0.12%; 2 homozygotes.

Submissions (2):

PreventionGenetics, part of Exact Sciences
Classification: Likely benign for PCNT-related condition. Last evaluated: 2026-01-13. Review status: criteria provided, single submitter. Criteria: ACMG Guidelines, 2015. Collection method: clinical testing. Allele origin: germline.
Comment: This variant is classified as likely benign based on ACMG/AMP sequence variant interpretation guidelines (Richards et al. 2015 PMID: 25741868, with internal and published modifications).

Blueprint Genetics
Classification: Likely benign. Last evaluated: 2024-01-30. Review status: criteria provided, single submitter. Criteria: ACMG Guidelines, 2015. Collection method: clinical testing. Allele origin: germline.